The following is an entry in ClinVar:

ClinVar aggregate classification (germline): Likely benign. Review status: criteria provided, multiple submitters, no conflicts (2 of 4 stars). 4 submissions from 4 submitters: Likely benign (4). Last evaluated 2023-05-22.

Conditions:
Wolfram syndrome 2 (WFS2). Identifiers: Orphanet 3463, MedGen C1858028, MONDO:0011502, OMIM 604928.

Allele frequency attached by ClinVar (database versions not stated): gnomAD 0.00005 and 0.00007; gnomAD exomes 0.00004; TOPMed 0.00004.
gnomAD v4.1: 54 of 1,151,332 alleles (0.0047%); highest among the groups gnomAD compares: Middle Eastern, 0.056%; no homozygotes.

Submissions (4):

Labcorp Genetics (formerly Invitae), Labcorp
Classification: Likely benign. Last evaluated: 2023-05-22. Review status: criteria provided, single submitter. Criteria: Invitae Variant Classification Sherloc (09022015). Collection method: clinical testing. Allele origin: germline.

Blueprint Genetics
Classification: Likely benign. Last evaluated: 2022-05-01. Review status: criteria provided, single submitter. Criteria: ACMG Guidelines, 2015. Collection method: clinical testing. Allele origin: germline.

Fulgent Genetics
Classification: Likely benign for Wolfram syndrome 2. Last evaluated: 2021-10-05. Review status: criteria provided, single submitter. Criteria: ACMG Guidelines, 2015. Collection method: clinical testing. Allele origin: unknown.

GeneDx
Classification: Likely benign. Last evaluated: 2017-03-21. Review status: criteria provided, single submitter. Criteria: GeneDx Variant Classification (06012015). Collection method: clinical testing. Allele origin: germline. Affected: yes.
Comment: This variant is considered likely benign or benign based on one or more of the following criteria: it is a conservative change, it occurs at a poorly conserved position in the protein, it is predicted to be benign by multiple in silico algorithms, and/or has population frequency not consistent with disease.

NM_001008388.5(CISD2):c.319-20T>C

Genes: CISD2 (CDGSH iron sulfur domain 2; plus strand), SLC9B1 (solute carrier family 9 member B1; minus strand). Cytogenetic location: 4q24.
Variant type: single nucleotide variant.
Coding change: c.319-20T>C on transcript NM_001008388.5 (MANE Select); 20 bases into the intron before coding-DNA position 319, T replaced by C.
Molecular consequence: intron variant.
Genome position (GRCh38, 1-based): chr4:102,887,321, T>C. VCF-style: chr4-102887321-T-C. GRCh37 (hg19) VCF-style: chr4-103808478-T-C.
Other names: c.1333-1993A>G (NM_001100874.3).
Identifiers: ClinVar variation 508006 (VCV000508006.10), dbSNP rs933913005, ClinGen allele CA102700988.